The following is an entry in ClinVar:

NC_000007.14:g.156789696G>T

Genes: LMBR1 (limb development membrane protein 1; minus strand), SHH (sonic hedgehog signaling molecule; minus strand). Cytogenetic location: 7q36.3.
Variant type: single nucleotide variant.
Molecular consequence: intron variant (on NM_022458.4).
Genome position: GRCh38 VCF-style: chr7-156789696-G-T. GRCh37 (hg19) VCF-style: chr7-156582390-G-T.
Other names: c.360+6693C>A (NM_001363412.2); c.144+6693C>A (NM_001350954.2); c.423+6693C>A (NM_001363410.2, NM_022458.4, NM_001363409.2 and 1 more transcripts); c.-112+6693C>A (NM_001350958.2, NM_001350956.2, NM_001350955.2 and 1 more transcripts); c.54+6693C>A (NM_001350957.2, NM_001363411.2).
Identifiers: ClinVar variation 2872618 (VCV002872618.3), dbSNP rs539978774, ClinGen allele CA169823296.

ClinVar aggregate classification (germline): Uncertain significance (1 of 4 stars; one submission).

Conditions:
Holoprosencephaly 3 (HPE3). Identifiers: Orphanet 2162, MedGen C1840529, MONDO:0007733, OMIM 142945.

gnomAD v4.1: 8 of 152,194 alleles (0.0053%); highest among the groups gnomAD compares: African/African-American, 0.017%; no homozygotes.

Submission:

Labcorp Genetics (formerly Invitae), Labcorp
Classification: Uncertain significance for Holoprosencephaly 3. Last evaluated: 2025-10-22. Review status: criteria provided, single submitter. Criteria: Invitae Variant Classification Sherloc (09022015). Collection method: clinical testing. Allele origin: germline.
Comment: This variant occurs in a non-coding region of the SHH gene. It does not change the encoded amino acid sequence of the SHH protein. This variant is present in population databases (no rsID available, gnomAD 0.01%). This variant has not been reported in the literature in individuals affected with SHH-related conditions. Experimental studies and prediction algorithms are not available or were not evaluated, and the functional significance of this variant is currently unknown. Experimental studies and prediction algorithms are not available or were not evaluated, and the effect of this variant on mRNA splicing is currently unknown. In summary, the available evidence is currently insufficient to determine the role of this variant in disease. Therefore, it has been classified as a Variant of Uncertain Significance.